The following is an entry in ClinVar:

NM_001271.4(CHD2):c.4963C>T (p.Pro1655Ser)

Gene: CHD2 (chromodomain helicase DNA binding protein 2; plus strand). Cytogenetic location: 15q26.1.
Variant type: single nucleotide variant.
Coding change: c.4963C>T on transcript NM_001271.4 (MANE Select); coding-DNA position 4963, C replaced by T.
Protein change: p.Pro1655Ser; replaces proline 1655 with serine.
Molecular consequence: missense variant.
Genome position (GRCh38, 1-based): chr15:93,020,068, C>T. VCF-style: chr15-93020068-C-T. GRCh37 (hg19) VCF-style: chr15-93563298-C-T.
Other names: c.4963C>T (NM_001271.3); short protein forms P1655S.
Identifiers: ClinVar variation 4802452 (VCV004802452.2).

ClinVar aggregate classification (germline): Uncertain significance. Review status: criteria provided, multiple submitters, no conflicts (2 of 4 stars). 2 submissions from 2 submitters: Uncertain significance (2). Last evaluated 2026-02-20.

Conditions:
Developmental and epileptic encephalopathy 94 (DEE94). Also called: Epileptic encephalopathy, childhood-onset; CHD2-Related Neurodevelopmental Disorders. Identifiers: Orphanet 1942, Orphanet 2382, MedGen C3809278, MONDO:0014150, OMIM 615369.

Submissions (2):

GeneDx
Classification: Uncertain significance. Last evaluated: 2026-02-20. Review status: criteria provided, single submitter. Criteria: GeneDx Variant Classification Process June 2021. Collection method: clinical testing. Allele origin: germline.
Comment: Not observed at significant frequency in large population cohorts (gnomAD); In silico analysis suggests that this missense variant does not alter protein structure/function; Has not been previously published as pathogenic or benign to our knowledge

Labcorp Genetics (formerly Invitae), Labcorp
Classification: Uncertain significance for Developmental and epileptic encephalopathy 94. Last evaluated: 2025-07-21. Review status: criteria provided, single submitter. Criteria: Invitae Variant Classification Sherloc (09022015). Collection method: clinical testing. Allele origin: germline.
Comment: This sequence change replaces proline, which is neutral and non-polar, with serine, which is neutral and polar, at codon 1655 of the CHD2 protein (p.Pro1655Ser). This variant is not present in population databases (gnomAD no frequency). This variant has not been reported in the literature in individuals affected with CHD2-related conditions. Invitae Evidence Modeling of protein sequence and biophysical properties (such as structural, functional, and spatial information, amino acid conservation, physicochemical variation, residue mobility, and thermodynamic stability) indicates that this missense variant is not expected to disrupt CHD2 protein function with a negative predictive value of 95%. In summary, the available evidence is currently insufficient to determine the role of this variant in disease. Therefore, it has been classified as a Variant of Uncertain Significance.